The following is an entry in ClinVar:

ClinVar aggregate classification (germline): Benign/Likely benign. Review status: criteria provided, multiple submitters, no conflicts (2 of 4 stars). 10 submissions from 10 submitters: Benign (6); Likely benign (1). 3 of the submissions do not count toward it. Last evaluated 2026-02-04.

Conditions:
Early-infantile DEE. Also called: Early infantile epileptic encephalopathy; Ohtahara syndrome; Early infantile epileptic encephalopathy with suppression bursts. Identifiers: Orphanet 1934, MedGen C0393706, MONDO:0800491.

Submissions (12):

Labcorp Genetics (formerly Invitae), Labcorp
Classification: Benign for Early-infantile DEE. Last evaluated: 2026-02-04. Review status: criteria provided, single submitter. Criteria: Invitae Variant Classification Sherloc (09022015). Collection method: clinical testing. Allele origin: germline.

Blueprint Genetics
Classification: Likely benign. Last evaluated: 2024-11-25. Review status: criteria provided, single submitter. Criteria: ACMG Guidelines, 2015. Collection method: clinical testing. Allele origin: germline.

Athena Diagnostics
Classification: Benign. Last evaluated: 2024-07-30. Review status: criteria provided, single submitter. Criteria: Athena Diagnostics Criteria. Collection method: clinical testing. Allele origin: unknown.

Mayo Clinic Laboratories, Mayo Clinic
Classification: Benign. Last evaluated: 2018-08-07. Review status: criteria provided, single submitter. Criteria: ACMG Guidelines, 2015. Collection method: clinical testing. Allele origin: germline. Observed: 61 variant alleles.

Eurofins Ntd Llc (ga)
Classification: Benign. Last evaluated: 2015-04-24. Review status: criteria provided, single submitter. Criteria: EGL Classification Definitions 2015. Collection method: clinical testing. Allele origin: germline. Observed: 15 variant alleles, 14 heterozygotes, 1 homozygote.

GeneDx
Classification: Benign. Last evaluated: 2012-09-19. Review status: criteria provided, single submitter. Criteria: GeneDx Variant Classification (06012015). Collection method: clinical testing. Allele origin: germline. Affected: yes.
Comment: This variant is considered likely benign or benign based on one or more of the following criteria: it is a conservative change, it occurs at a poorly conserved position in the protein, it is predicted to be benign by multiple in silico algorithms, and/or has population frequency not consistent with disease.

PreventionGenetics, part of Exact Sciences
Classification: Benign. Review status: criteria provided, single submitter. Criteria: ACMG Guidelines, 2015. Collection method: clinical testing. Allele origin: germline.

Diagnostic Laboratory, Department of Genetics, University Medical Center Groningen
Classification: Benign. Review status: no assertion criteria provided. Collection method: clinical testing. Allele origin: germline. Affected: yes. Study: VKGL Data-share Consensus. Not counted in ClinVar's aggregate classification.

Dr. Peter K. Rogan Lab, Western University
No classification provided (evidence only). Condition: Gastric cancer. Review status: no classification provided. Collection method: in vitro. Allele origin: not applicable. Functional consequence: retained intron. Not counted in ClinVar's aggregate classification.

Dr. Peter K. Rogan Lab, Western University
No classification provided (evidence only). Condition: Ovarian cancer. Review status: no classification provided. Collection method: in vitro. Allele origin: not applicable. Functional consequence: retained intron. Not counted in ClinVar's aggregate classification.

Genome Diagnostics Laboratory, University Medical Center Utrecht
Classification: Benign. Review status: no assertion criteria provided. Collection method: clinical testing. Allele origin: germline. Affected: yes. Study: VKGL Data-share Consensus. Not counted in ClinVar's aggregate classification.

Laboratory of Diagnostic Genome Analysis, Leiden University Medical Center (LUMC)
Classification: Benign. Review status: no assertion criteria provided. Collection method: clinical testing. Allele origin: germline. Affected: yes. Study: VKGL Data-share Consensus. Not counted in ClinVar's aggregate classification.

NM_001165963.4(SCN1A):c.1171-10_1171-9del

Gene: SCN1A (sodium voltage-gated channel alpha subunit 1; minus strand). Cytogenetic location: 2q24.3.
Variant type: Deletion.
Coding change: c.1171-10_1171-9del on transcript NM_001165963.4 (MANE Select); 10 bases into the intron before coding-DNA position 1171 through 9 bases into the intron before coding-DNA position 1171, 2 bases deleted (TT; older notation c.1171-10_1171-9delTT).
Molecular consequence: intron variant.
Genome position (GRCh38, 1-based): chr2:166,046,985-166,046,986, AA deleted on the plus strand (TT on the coding strand, the reverse complement: SCN1A is on the minus strand); deleting any 2 consecutive bases within chr2:166,046,985-166,046,989 gives the same sequence; the c. name uses the placement nearest the transcript's 3' end. VCF-style (leftmost placement, unchanged base first): chr2-166046984-CAA-C. GRCh37 (hg19) VCF-style: chr2-166903494-CAA-C.
Other names: NC_000002.11:g.166903498_166903499del; p.?; c.1171-10_1171-9delTT (NM_001165963.1, NM_001202435.1); c.1171-13_1171-12del (NM_001165963.4); c.1171-10_1171-9del (NM_001165963.3, NM_001353949.2, NM_001353958.2 and 11 more transcripts); c.-1255-10_-1255-9del (NM_001353961.2).
Identifiers: ClinVar variation 93628 (VCV000093628.31), dbSNP rs372840031, ClinGen allele CA285445.